The following is an entry in ClinVar:

NM_004329.3(BMPR1A):c.185_187dup (p.Tyr62dup)

Gene: BMPR1A (bone morphogenetic protein receptor type 1A; plus strand). Cytogenetic location: 10q23.2.
Variant type: Duplication.
Coding change: c.185_187dup on transcript NM_004329.3 (MANE Select); coding-DNA positions 185 to 187, 3 bases duplicated (ATT; older notation c.185_187dupATT).
Protein change: p.Tyr62dup; duplicates tyrosine 62.
Molecular consequence: inframe insertion.
Genome position (GRCh38, 1-based): chr10:86,890,179-86,890,181, ATT duplicated; duplicating any 3 consecutive bases within chr10:86,890,178-86,890,181 gives the same sequence; the c. name uses the placement nearest the transcript's 3' end. VCF-style (leftmost placement, unchanged base first): chr10-86890177-C-CTAT. GRCh37 (hg19) VCF-style: chr10-88649934-C-CTAT.
Identifiers: ClinVar variation 820180 (VCV000820180.7), dbSNP rs1589763427, ClinGen allele CA915947532.

ClinVar aggregate classification (germline): Uncertain significance. Review status: criteria provided, multiple submitters, no conflicts (2 of 4 stars). 2 submissions from 2 submitters: Uncertain significance (2). Last evaluated 2023-11-24.

Conditions:
Juvenile polyposis syndrome (JPS). Identifiers: Orphanet 2929, MedGen C0345893, MONDO:0017380, OMIM 174900.
Hereditary cancer-predisposing syndrome. Also called: Hereditary Cancer Syndrome; Neoplastic Syndromes, Hereditary; Hereditary neoplastic syndrome; Tumor predisposition. Identifiers: Orphanet 140162, MedGen C0027672, MeSH D009386, MONDO:0015356.

Submissions (2):

Labcorp Genetics (formerly Invitae), Labcorp
Classification: Uncertain significance for Juvenile polyposis syndrome. Last evaluated: 2023-11-24. Review status: criteria provided, single submitter. Criteria: Invitae Variant Classification Sherloc (09022015). Collection method: clinical testing. Allele origin: germline.
Comment: This variant, c.185_187dup, results in the insertion of 1 amino acid(s) of the BMPR1A protein (p.Tyr62dup), but otherwise preserves the integrity of the reading frame. This variant is not present in population databases (gnomAD no frequency). This variant has not been reported in the literature in individuals affected with BMPR1A-related conditions. ClinVar contains an entry for this variant (Variation ID: 820180). In summary, the available evidence is currently insufficient to determine the role of this variant in disease. Therefore, it has been classified as a Variant of Uncertain Significance.

Ambry Genetics
Classification: Uncertain significance for Hereditary cancer-predisposing syndrome. Last evaluated: 2019-05-15. Review status: criteria provided, single submitter. Criteria: Ambry Variant Classification Scheme 2023. Collection method: clinical testing. Allele origin: germline.
Comment: The c.185_187dupATT variant (also known as p.Y62dup), located in coding exon 2 of the BMPR1A gene, results from an in-frame duplication of ATT at nucleotide positions 185 to 187. This results in the duplication of an extra tyrosine residue between codons 62 and 63. This amino acid position is well conserved in available vertebrate species. Since supporting evidence is limited at this time, the clinical significance of this alteration remains unclear.